The following is an entry in ClinVar:

NM_004960.4(FUS):c.709G>A (p.Gly237Ser)

Gene: FUS (FUS RNA binding protein; plus strand). Cytogenetic location: 16p11.2.
Variant type: single nucleotide variant.
Coding change: c.709G>A on transcript NM_004960.4 (MANE Select); coding-DNA position 709, G replaced by A.
Protein change: p.Gly237Ser; replaces glycine 237 with serine.
Molecular consequence: missense variant. On other transcripts: non-coding transcript variant (1).
Genome position (GRCh38, 1-based): chr16:31,185,124, G>A. VCF-style: chr16-31185124-G-A. GRCh37 (hg19) VCF-style: chr16-31196445-G-A.
Other names: c.706G>A, p.Gly236Ser (NM_001170634.1); c.697G>A, p.Gly233Ser (NM_001170937.1); short protein forms G233S, G236S, G237S.
Identifiers: ClinVar variation 3367328 (VCV003367328.1).

ClinVar aggregate classification (germline): Uncertain significance (1 of 4 stars; one submission).

Submission:

GeneDx
Classification: Uncertain significance. Last evaluated: 2023-12-27. Review status: criteria provided, single submitter. Criteria: GeneDx Variant Classification Process June 2021. Collection method: clinical testing. Allele origin: germline. Affected: yes.
Comment: Not observed at significant frequency in large population cohorts (gnomAD); In silico analysis supports that this missense variant does not alter protein structure/function; Has not been previously published as pathogenic or benign to our knowledge